The following is an entry in ClinVar:

ClinVar aggregate classification (germline): Likely benign. Review status: criteria provided, single submitter (1 of 4 stars). 2 submissions from 2 submitters: Likely benign (1). 1 of the submissions does not count toward it. Last evaluated 2024-03-13.

Conditions:
TRAPPC9-related disorder. Also called: TRAPPC9-related condition.

Allele frequency attached by ClinVar (database versions not stated): gnomAD exomes below 0.00001.
gnomAD v4.1: 2 of 1,613,010 alleles (0.00012%); highest among the groups gnomAD compares: Non-Finnish European, 0.00017%; no homozygotes.

Submissions (2):

Labcorp Genetics (formerly Invitae), Labcorp
Classification: Likely benign. Last evaluated: 2024-03-13. Review status: criteria provided, single submitter. Criteria: Invitae Variant Classification Sherloc (09022015). Collection method: clinical testing. Allele origin: germline.

PreventionGenetics, part of Exact Sciences
Classification: Likely benign for TRAPPC9-related condition. Last evaluated: 2021-03-09. Review status: no assertion criteria provided. Collection method: clinical testing. Allele origin: germline. Not counted in ClinVar's aggregate classification.
Comment: This variant is classified as likely benign based on ACMG/AMP sequence variant interpretation guidelines (Richards et al. 2015 PMID: 25741868, with internal and published modifications).

NM_001160372.4(TRAPPC9):c.108G>A (p.Lys36=)

Gene: TRAPPC9 (trafficking protein particle complex subunit 9; minus strand). Cytogenetic location: 8q24.3.
Variant type: single nucleotide variant.
Coding change: c.108G>A on transcript NM_001160372.4 (MANE Select); coding-DNA position 108, G replaced by A.
Protein change: p.Lys36=; no amino-acid change (lysine 36 retained).
Molecular consequence: synonymous variant. On other transcripts: non-coding transcript variant (1).
Genome position (GRCh38, 1-based): chr8:140,451,266, C>T on the plus strand (G>A on the coding strand, the complement: TRAPPC9 is on the minus strand). VCF-style: chr8-140451266-C-T. GRCh37 (hg19) VCF-style: chr8-141461365-C-T.
Other names: c.108G>A, p.Lys36= (NM_001321646.2, NM_001374682.1, NM_001374683.1 and 2 more transcripts).
Identifiers: ClinVar variation 3033030 (VCV003033030.4), dbSNP rs1420208631, ClinGen allele CA463098724.